The following is an entry in ClinVar:

ClinVar aggregate classification (germline): Uncertain significance (1 of 4 stars; one submission).

Conditions:
Compton-North congenital myopathy (CMYO12). Identifiers: Orphanet 210163, MedGen C2675527, MONDO:0012929, OMIM 612540.

Allele frequency attached by ClinVar (database versions not stated): gnomAD exomes below 0.00001.
gnomAD v4.1: 17 of 1,607,996 alleles (0.0011%); highest among the groups gnomAD compares: Non-Finnish European, 0.0014%; no homozygotes.

Submission:

Labcorp Genetics (formerly Invitae), Labcorp
Classification: Uncertain significance for Compton-North congenital myopathy. Last evaluated: 2022-08-16. Review status: criteria provided, single submitter. Criteria: Invitae Variant Classification Sherloc (09022015). Collection method: clinical testing. Allele origin: germline.
Comment: In summary, the available evidence is currently insufficient to determine the role of this variant in disease. Therefore, it has been classified as a Variant of Uncertain Significance. Advanced modeling of protein sequence and biophysical properties (such as structural, functional, and spatial information, amino acid conservation, physicochemical variation, residue mobility, and thermodynamic stability) performed at Invitae indicates that this missense variant is not expected to disrupt CNTN1 protein function. ClinVar contains an entry for this variant (Variation ID: 1430159). This variant has not been reported in the literature in individuals affected with CNTN1-related conditions. This variant is present in population databases (no rsID available, gnomAD 0.0009%). This sequence change replaces alanine, which is neutral and non-polar, with threonine, which is neutral and polar, at codon 242 of the CNTN1 protein (p.Ala242Thr).

NM_001843.4(CNTN1):c.724G>A (p.Ala242Thr)

Gene: CNTN1 (contactin 1; plus strand). Cytogenetic location: 12q12.
Variant type: single nucleotide variant.
Coding change: c.724G>A on transcript NM_001843.4 (MANE Select); coding-DNA position 724, G replaced by A.
Protein change: p.Ala242Thr; replaces alanine 242 with threonine.
Molecular consequence: missense variant.
Genome position (GRCh38, 1-based): chr12:40,933,481, G>A. VCF-style: chr12-40933481-G-A. GRCh37 (hg19) VCF-style: chr12-41327283-G-A.
Other names: c.724G>A, p.Ala242Thr (NM_001256063.2, NM_001256064.2); c.691G>A, p.Ala231Thr (NM_175038.2); short protein forms A242T, A231T.
Identifiers: ClinVar variation 1430159 (VCV001430159.8), dbSNP rs758956439, ClinGen allele CA384422955.